The following is an entry in ClinVar:

ClinVar aggregate classification (germline): Uncertain significance. Review status: criteria provided, multiple submitters, no conflicts (2 of 4 stars). 2 submissions from 2 submitters: Uncertain significance (2). Last evaluated 2025-11-24.

Allele frequency attached by ClinVar (database versions not stated): gnomAD exomes below 0.00001.
gnomAD v4.1: 4 of 1,613,156 alleles (0.00025%); highest among the groups gnomAD compares: African/African-American, 0.0013%; no homozygotes.

Submissions (2):

Labcorp Genetics (formerly Invitae), Labcorp
Classification: Uncertain significance. Last evaluated: 2025-11-24. Review status: criteria provided, single submitter. Criteria: Invitae Variant Classification Sherloc (09022015). Collection method: clinical testing. Allele origin: germline.
Comment: This sequence change replaces leucine, which is neutral and non-polar, with proline, which is neutral and non-polar, at codon 200 of the WFS1 protein (p.Leu200Pro). This variant is not present in population databases (gnomAD no frequency). This missense change has been observed in individual(s) with Wolfram syndrome (PMID: 23981289). ClinVar contains an entry for this variant (Variation ID: 1710676). Invitae Evidence Modeling of protein sequence and biophysical properties (such as structural, functional, and spatial information, amino acid conservation, physicochemical variation, residue mobility, and thermodynamic stability) has been performed for this missense variant. However, the output from this modeling did not meet the statistical confidence thresholds required to predict the impact of this variant on WFS1 protein function. In summary, the available evidence is currently insufficient to determine the role of this variant in disease. Therefore, it has been classified as a Variant of Uncertain Significance.

GeneDx
Classification: Uncertain significance. Last evaluated: 2024-04-15. Review status: criteria provided, single submitter. Criteria: GeneDx Variant Classification Process June 2021. Collection method: clinical testing. Allele origin: germline. Affected: yes.
Comment: Not observed at significant frequency in large population cohorts (gnomAD); In silico analysis supports that this missense variant has a deleterious effect on protein structure/function; This variant is associated with the following publications: (PMID: 23981289)

Literature cited by the submitters: PubMed 23981289 (cited by Labcorp Genetics (formerly Invitae), Labcorp).

NM_006005.3(WFS1):c.599T>C (p.Leu200Pro)

Gene: WFS1 (wolframin ER transmembrane glycoprotein; plus strand). Cytogenetic location: 4p16.1.
Variant type: single nucleotide variant.
Coding change: c.599T>C on transcript NM_006005.3 (MANE Select); coding-DNA position 599, T replaced by C.
Protein change: p.Leu200Pro; replaces leucine 200 with proline.
Molecular consequence: missense variant.
Genome position (GRCh38, 1-based): chr4:6,291,335, T>C. VCF-style: chr4-6291335-T-C. GRCh37 (hg19) VCF-style: chr4-6293062-T-C.
Other names: c.599T>C, p.Leu200Pro (NM_001145853.1); short protein forms L200P.
Identifiers: ClinVar variation 1710676 (VCV001710676.8), dbSNP rs2474174482, ClinGen allele CA356172119.